The following is an entry in ClinVar:

ClinVar aggregate classification (germline): Uncertain significance (1 of 4 stars; one submission).

Conditions:
Developmental and epileptic encephalopathy, 54. Also called: Epileptic encephalopathy, early infantile, 54; HNRNPU-Related Neurodevelopmental Disorder. Identifiers: MedGen C4479319, MONDO:0033363, OMIM 617391.

Allele frequency attached by ClinVar (database versions not stated): gnomAD exomes below 0.00001.
gnomAD v4.1: 1 of 1,591,642 alleles (0.000063%); highest among the groups gnomAD compares: Admixed American, 0.0017%; no homozygotes.

Submission:

Labcorp Genetics (formerly Invitae), Labcorp
Classification: Uncertain significance for Developmental and epileptic encephalopathy, 54. Last evaluated: 2022-07-30. Review status: criteria provided, single submitter. Criteria: Invitae Variant Classification Sherloc (09022015). Collection method: clinical testing. Allele origin: germline.
Comment: This sequence change replaces glutamic acid, which is acidic and polar, with aspartic acid, which is acidic and polar, at codon 182 of the HNRNPU protein (p.Glu182Asp). This variant is not present in population databases (gnomAD no frequency). This variant has not been reported in the literature in individuals affected with HNRNPU-related conditions. Algorithms developed to predict the effect of missense changes on protein structure and function (SIFT, PolyPhen-2, Align-GVGD) all suggest that this variant is likely to be tolerated. In summary, the available evidence is currently insufficient to determine the role of this variant in disease. Therefore, it has been classified as a Variant of Uncertain Significance.

NM_031844.3(HNRNPU):c.546G>T (p.Glu182Asp)

Gene: HNRNPU (heterogeneous nuclear ribonucleoprotein U; minus strand). Cytogenetic location: 1q44.
Variant type: single nucleotide variant.
Coding change: c.546G>T on transcript NM_031844.3 (MANE Select); coding-DNA position 546, G replaced by T.
Protein change: p.Glu182Asp; replaces glutamic acid 182 with aspartic acid.
Molecular consequence: missense variant.
Genome position (GRCh38, 1-based): chr1:244,863,762, C>A on the plus strand (G>T on the coding strand, the complement: HNRNPU is on the minus strand). VCF-style: chr1-244863762-C-A. GRCh37 (hg19) VCF-style: chr1-245027064-C-A.
Other names: c.546G>T, p.Glu182Asp (NM_004501.3); short protein forms E182D.
Identifiers: ClinVar variation 1964197 (VCV001964197.5), dbSNP rs2527894574, ClinGen allele CA345496612.